The following is an entry in ClinVar:

ClinVar aggregate classification (germline): Uncertain significance (1 of 4 stars; one submission).

Allele frequency attached by ClinVar (database versions not stated): gnomAD exomes below 0.00001; ExAC 0.00001; gnomAD 0.00001; TOPMed 0.00001.
gnomAD v4.1: 3 of 1,614,034 alleles (0.00019%); highest among the groups gnomAD compares: African/African-American, 0.004%; no homozygotes.

Submission:

Labcorp Genetics (formerly Invitae), Labcorp
Classification: Uncertain significance. Last evaluated: 2024-11-18. Review status: criteria provided, single submitter. Criteria: Invitae Variant Classification Sherloc (09022015). Collection method: clinical testing. Allele origin: germline.
Comment: This sequence change replaces leucine, which is neutral and non-polar, with tryptophan, which is neutral and slightly polar, at codon 208 of the GNPTG protein (p.Leu208Trp). This variant is present in population databases (rs757003667, gnomAD 0.008%). This variant has not been reported in the literature in individuals affected with GNPTG-related conditions. ClinVar contains an entry for this variant (Variation ID: 1384980). Invitae Evidence Modeling of protein sequence and biophysical properties (such as structural, functional, and spatial information, amino acid conservation, physicochemical variation, residue mobility, and thermodynamic stability) indicates that this missense variant is not expected to disrupt GNPTG protein function with a negative predictive value of 80%. In summary, the available evidence is currently insufficient to determine the role of this variant in disease. Therefore, it has been classified as a Variant of Uncertain Significance.

NM_032520.5(GNPTG):c.623T>G (p.Leu208Trp)

Gene: GNPTG (N-acetylglucosamine-1-phosphate transferase subunit gamma; plus strand). Cytogenetic location: 16p13.3.
Variant type: single nucleotide variant.
Coding change: c.623T>G on transcript NM_032520.5 (MANE Select); coding-DNA position 623, T replaced by G.
Protein change: p.Leu208Trp; replaces leucine 208 with tryptophan.
Molecular consequence: missense variant.
Genome position (GRCh38, 1-based): chr16:1,362,624, T>G. VCF-style: chr16-1362624-T-G. GRCh37 (hg19) VCF-style: chr16-1412625-T-G.
Other names: short protein forms L208W.
Identifiers: ClinVar variation 1384980 (VCV001384980.5), dbSNP rs757003667, ClinGen allele CA7807855.